The following is an entry in ClinVar:

NM_000719.7(CACNA1C):c.2371G>C (p.Val791Leu)

Gene: CACNA1C (calcium voltage-gated channel subunit alpha1 C; plus strand). Cytogenetic location: 12p13.33.
Variant type: single nucleotide variant.
Coding change: c.2371G>C on transcript NM_000719.7 (MANE Select); coding-DNA position 2371, G replaced by C.
Protein change: p.Val791Leu; replaces valine 791 with leucine.
Molecular consequence: missense variant.
Genome position (GRCh38, 1-based): chr12:2,585,407, G>C. VCF-style: chr12-2585407-G-C. GRCh37 (hg19) VCF-style: chr12-2694573-G-C.
Other names: c.2371G>C, p.Val791Leu (NM_001129827.2, NM_001129829.2, NM_001129830.3 and 18 more transcripts); c.2362G>C, p.Val788Leu (NM_001129844.2); short protein forms V788L, V791L.
Identifiers: ClinVar variation 3622228 (VCV003622228.2).
Genomic context (GRCh38, chr12:2,585,407, plus strand): 5'-TTTATTTTTTTCTGCTGCTGACTGGCCAGGACTGCCAGCCCAGAGAAGAAACAAGAGTTG[G>C]TGGAGAAGCCGGCAGTGGGGGAATCCAAGGAGGAGAAGATTGAGCTGAAATCCATCACGG-3'
Protein context (NP_000710.5, residues 781-801): TASPEKKQEL[Val791Leu]EKPAVGESKE

ClinVar aggregate classification (germline): Uncertain significance (1 of 4 stars; one submission).

Conditions:
Long QT syndrome (LQTS). Identifiers: MedGen C0023976, MeSH D008133, MONDO:0002442. Disease mechanism: loss of function. Inheritance: Various modes of inheritance.

gnomAD v4.1: 1 of 1,612,418 alleles (0.000062%); highest among the groups gnomAD compares: Middle Eastern, 0.017%; no homozygotes.

Submission:

Labcorp Genetics (formerly Invitae), Labcorp
Classification: Uncertain significance for Long QT syndrome. Last evaluated: 2024-10-12. Review status: criteria provided, single submitter. Criteria: Invitae Variant Classification Sherloc (09022015). Collection method: clinical testing. Allele origin: germline.
Comment: This sequence change replaces valine, which is neutral and non-polar, with leucine, which is neutral and non-polar, at codon 791 of the CACNA1C protein (p.Val791Leu). This variant is not present in population databases (gnomAD no frequency). This variant has not been reported in the literature in individuals affected with CACNA1C-related conditions. Invitae Evidence Modeling of protein sequence and biophysical properties (such as structural, functional, and spatial information, amino acid conservation, physicochemical variation, residue mobility, and thermodynamic stability) indicates that this missense variant is not expected to disrupt CACNA1C protein function with a negative predictive value of 95%. In summary, the available evidence is currently insufficient to determine the role of this variant in disease. Therefore, it has been classified as a Variant of Uncertain Significance.